The following is an entry in ClinVar:

ClinVar aggregate classification (germline): Uncertain significance (1 of 4 stars; one submission).

Conditions:
Hereditary cancer-predisposing syndrome. Also called: Neoplastic Syndromes, Hereditary; Hereditary Cancer Syndrome; Hereditary neoplastic syndrome; Tumor predisposition. Identifiers: Orphanet 140162, MedGen C0027672, MeSH D009386, MONDO:0015356.

Submission:

Ambry Genetics
Classification: Uncertain significance for Hereditary cancer-predisposing syndrome. Last evaluated: 2023-04-18. Review status: criteria provided, single submitter. Criteria: Ambry Variant Classification Scheme 2023. Collection method: clinical testing. Allele origin: germline.
Comment: The p.K815N variant (also known as c.2445G>T), located in coding exon 17 of the TSC1 gene, results from a G to T substitution at nucleotide position 2445. The lysine at codon 815 is replaced by asparagine, an amino acid with similar properties. This amino acid position is conserved. In addition, this alteration is predicted to be tolerated by in silico analysis. Since supporting evidence is limited at this time, the clinical significance of this alteration remains unclear.

NM_000368.5(TSC1):c.2445G>T (p.Lys815Asn)

Gene: TSC1 (TSC complex subunit 1; minus strand). Cytogenetic location: 9q34.13.
Variant type: single nucleotide variant.
Coding change: c.2445G>T on transcript NM_000368.5 (MANE Select); coding-DNA position 2445, G replaced by T.
Protein change: p.Lys815Asn; replaces lysine 815 with asparagine.
Molecular consequence: missense variant. On other transcripts: non-coding transcript variant (5).
Genome position (GRCh38, 1-based): chr9:132,901,646, C>A on the plus strand (G>T on the coding strand, the complement: TSC1 is on the minus strand). VCF-style: chr9-132901646-C-A. GRCh37 (hg19) VCF-style: chr9-135777033-C-A.
Other names: c.1392G>T, p.Lys464Asn (NM_001406630.1, NM_001406629.1); c.2442G>T, p.Lys814Asn (NM_001162426.2, NM_001406597.1, NM_001406598.1 and 4 more transcripts); c.2292G>T, p.Lys764Asn (NM_001162427.2, NM_001406610.1); c.2082G>T, p.Lys694Asn (NM_001362177.2, NM_001406614.1, NM_001406615.1 and 5 more transcripts); c.2445G>T, p.Lys815Asn (NM_001406592.1, NM_001406593.1, NM_001406594.1 and 5 more transcripts); c.2430G>T, p.Lys810Asn (NM_001406601.1, NM_001406602.1); c.2427G>T, p.Lys809Asn (NM_001406603.1, NM_001406604.1); c.2289G>T, p.Lys763Asn (NM_001406611.1, NM_001406612.1, NM_001406613.1); and 3 more; short protein forms K498N, K693N, K763N, K497N, K694N, K764N, K814N, K464N.
Identifiers: ClinVar variation 2562862 (VCV002562862.2), dbSNP rs1845377926, ClinGen allele CA375358568.